The following is an entry in ClinVar:

NM_003590.5(CUL3):c.883+1G>A

Gene: CUL3 (cullin 3; minus strand). Cytogenetic location: 2q36.2.
Variant type: single nucleotide variant.
Coding change: c.883+1G>A on transcript NM_003590.5 (MANE Select); the canonical splice donor site of the intron after coding-DNA position 883, G replaced by A.
Molecular consequence: splice donor variant.
Genome position (GRCh38, 1-based): chr2:224,511,353, C>T on the plus strand (G>A on the coding strand, the complement: CUL3 is on the minus strand). VCF-style: chr2-224511353-C-T. GRCh37 (hg19) VCF-style: chr2-225376070-C-T.
Other names: c.685+1G>A (NM_001257197.2); c.901+1G>A (NM_001257198.2).
Identifiers: ClinVar variation 987241 (VCV000987241.3), dbSNP rs1692819940, ClinGen allele CA350829898.
Genomic context (GRCh38, chr2:224,511,353, plus strand): 5'-TTTTAAAAATATCGATAAGGCAGAGTAAGGATTTAATTATTTTTCAATCGGTAACACTTA[C>T]CTTCTGTCTTTCCATTTTTCAACATATGTACTAGCCCAGAATTCTCCATTTCTACTATAG-3'

ClinVar aggregate classification (germline): Pathogenic/Likely pathogenic. Review status: criteria provided, multiple submitters, no conflicts (2 of 4 stars). 2 submissions from 2 submitters: Pathogenic (1); Likely pathogenic (1). Last evaluated 2024-02-29.

Submissions (2):

GeneDx
Classification: Pathogenic. Last evaluated: 2024-02-29. Review status: criteria provided, single submitter. Criteria: GeneDx Variant Classification Process June 2021. Collection method: clinical testing. Allele origin: germline. Affected: yes.
Comment: Observed in one individual from a large cohort of individuals with autism spectrum disorder and reported as 2:224511353:C:T:hg38 (PMID: 36368308); Canonical splice site variant predicted to result in a null allele in a gene for which loss of function is a known mechanism of disease; Not observed at significant frequency in large population cohorts (gnomAD); This variant is associated with the following publications: (PMID: 36368308)

Institute of Medical Genetics and Applied Genomics, University Hospital Tübingen
Classification: Likely pathogenic. Last evaluated: 2020-10-23. Review status: criteria provided, single submitter. Criteria: ACMG Guidelines, 2015. Collection method: clinical testing. Allele origin: germline. Inheritance: Autosomal dominant inheritance. Affected: yes.